The following is an entry in ClinVar:

ClinVar aggregate classification (germline): Pathogenic (1 of 4 stars; one submission).

Conditions:
Hereditary cancer-predisposing syndrome. Also called: Hereditary neoplastic syndrome; Neoplastic Syndromes, Hereditary; Tumor predisposition; Hereditary Cancer Syndrome. Identifiers: Orphanet 140162, MedGen C0027672, MeSH D009386, MONDO:0015356.

Submission:

Ambry Genetics
Classification: Pathogenic for Hereditary cancer-predisposing syndrome. Last evaluated: 2021-01-28. Review status: criteria provided, single submitter. Criteria: Ambry Variant Classification Scheme 2023. Collection method: clinical testing. Allele origin: germline.
Comment: The c.7452dupA pathogenic mutation, located in coding exon 49 of the ATM gene, results from a duplication of A at nucleotide position 7452, causing a translational frameshift with a predicted alternate stop codon (p.F2485Ifs*9). This alteration is expected to result in loss of function by premature protein truncation or nonsense-mediated mRNA decay. As such, this alteration is interpreted as a disease-causing mutation.

NM_000051.4(ATM):c.7452dup (p.Phe2485fs)

Genes: ATM (ATM serine/threonine kinase; plus strand), C11orf65 (chromosome 11 open reading frame 65; minus strand). Cytogenetic location: 11q22.3.
Variant type: Duplication.
Coding change: c.7452dup on transcript NM_000051.4 (MANE Select); coding-DNA position 7452, one base duplicated (A; older notation c.7452dupA).
Protein change: p.Phe2485fs; shifts the reading frame from phenylalanine 2485.
Molecular consequence: frameshift variant. On other transcripts: intron variant (2).
Genome position (GRCh38, 1-based): chr11:108,330,358, A duplicated. VCF-style (leftmost placement, unchanged base first): chr11-108330357-T-TA. GRCh37 (hg19) VCF-style: chr11-108201084-T-TA.
Other names: c.7452dup, p.Phe2485fs (NM_001351834.2); c.641-21287dup (NM_001330368.2); c.*38+4862dup (NM_001351110.2); c.7452dupA (NM_000051.3); short protein forms F2485fs.
Identifiers: ClinVar variation 1758984 (VCV001758984.2), dbSNP rs2547263458, ClinGen allele CA2580083368.